The following is an entry in ClinVar:

NM_001377458.1(CLCC1):c.566T>C (p.Leu189Pro)

Gene: CLCC1 (chloride channel CLIC like 1; minus strand). Cytogenetic location: 1p13.3.
Variant type: single nucleotide variant.
Coding change: c.566T>C on transcript NM_001377458.1 (MANE Select); coding-DNA position 566, T replaced by C.
Protein change: p.Leu189Pro; replaces leucine 189 with proline.
Molecular consequence: missense variant. On other transcripts: non-coding transcript variant (1), intron variant (2).
Genome position (GRCh38, 1-based): chr1:108,943,611, A>G on the plus strand (T>C on the coding strand, the complement: CLCC1 is on the minus strand). VCF-style: chr1-108943611-A-G. GRCh37 (hg19) VCF-style: chr1-109486233-A-G.
Other names: c.566T>C, p.Leu189Pro (NM_001048210.3, NM_001377459.1, NM_001377460.1 and 8 more transcripts); c.464T>C, p.Leu155Pro (NM_001377469.1); c.275T>C, p.Leu92Pro (NM_001377470.1); c.416T>C, p.Leu139Pro (NM_015127.5); c.340-2113T>C (NM_001278202.2); c.340-3829T>C (NM_001278203.1); short protein forms L139P, L189P, L92P, L155P.
Identifiers: ClinVar variation 1351190 (VCV001351190.8), dbSNP rs2101654067, ClinGen allele CA341462854.

ClinVar aggregate classification (germline): Uncertain significance (1 of 4 stars; one submission).

Submission:

Labcorp Genetics (formerly Invitae), Labcorp
Classification: Uncertain significance. Last evaluated: 2022-10-25. Review status: criteria provided, single submitter. Criteria: Invitae Variant Classification Sherloc (09022015). Collection method: clinical testing. Allele origin: germline.
Comment: This sequence change replaces leucine, which is neutral and non-polar, with proline, which is neutral and non-polar, at codon 189 of the CLCC1 protein (p.Leu189Pro). This variant is not present in population databases (gnomAD no frequency). This variant has not been reported in the literature in individuals affected with CLCC1-related conditions. ClinVar contains an entry for this variant (Variation ID: 1351190). Algorithms developed to predict the effect of missense changes on protein structure and function are either unavailable or do not agree on the potential impact of this missense change (SIFT: "Deleterious"; PolyPhen-2: "Probably Damaging"; Align-GVGD: "Class C0"). In summary, the available evidence is currently insufficient to determine the role of this variant in disease. Therefore, it has been classified as a Variant of Uncertain Significance.